The following is an entry in ClinVar:

ClinVar aggregate classification (germline): Likely pathogenic (1 of 4 stars; one submission).

Conditions:
Joubert syndrome 21 (JBTS21). Identifiers: MedGen C3810212, MONDO:0014288, OMIM 615636.

Submission:

Neuberg Centre For Genomic Medicine, NCGM
Classification: Likely pathogenic for Joubert syndrome 21. Review status: criteria provided, single submitter. Criteria: ACMG Guidelines, 2015. Collection method: clinical testing. Allele origin: germline. Inheritance: Autosomal recessive inheritance. Affected: yes.
Comment: The splice acceptor c.385-2A>G variant in CSPP1 gene has not been reported previously as a pathogenic variant nor as a benign variant, to our knowledge. The c.385-2A>G variant is novel not in any individuals in both gnomAD Exomes and 1000 Genomes databases. This variant has not been reported to the ClinVar database. SpliceAI predicts an acceptor loss and an acceptor gain of 1.00 for this variant. Loss of function variants have been previously reported to be disease causing. For these reasons, this variant has been classified as Likely Pathogenic.

NM_001382391.1(CSPP1):c.385-2A>G

Gene: CSPP1 (centrosome and spindle pole associated protein 1; plus strand). Cytogenetic location: 8q13.1.
Variant type: single nucleotide variant.
Coding change: c.385-2A>G on transcript NM_001382391.1 (MANE Select); the canonical splice acceptor site of the intron before coding-DNA position 385, A replaced by G.
Molecular consequence: splice acceptor variant.
Genome position (GRCh38, 1-based): chr8:67,093,541, A>G. VCF-style: chr8-67093541-A-G. GRCh37 (hg19) VCF-style: chr8-68005776-A-G.
Other names: c.385-2A>G (NM_001363132.2); c.304-2A>G (NM_001363131.2, NM_001363133.2); c.493-2A>G (NM_001364869.1); c.412-2A>G (NM_024790.7, NM_001438331.1, NM_001438330.1 and 2 more transcripts); c.-471-2A>G (NM_001291339.2).
Identifiers: ClinVar variation 3236408 (VCV003236408.2), dbSNP rs2488602319, ClinGen allele CA371188577.